The following is an entry in ClinVar:

NM_017612.5(ZCCHC8):c.692A>G (p.Asn231Ser)

Gene: ZCCHC8 (zinc finger CCHC-type containing 8; minus strand). Cytogenetic location: 12q24.31.
Variant type: single nucleotide variant.
Coding change: c.692A>G on transcript NM_017612.5 (MANE Select); coding-DNA position 692, A replaced by G.
Protein change: p.Asn231Ser; replaces asparagine 231 with serine.
Molecular consequence: missense variant. On other transcripts: 5 prime UTR variant (2), intron variant (1).
Genome position (GRCh38, 1-based): chr12:122,482,675, T>C on the plus strand (A>G on the coding strand, the complement: ZCCHC8 is on the minus strand). VCF-style: chr12-122482675-T-C. GRCh37 (hg19) VCF-style: chr12-122967222-T-C.
Other names: c.395A>G, p.Asn132Ser (NM_001350936.2); c.-23A>G (NM_001350937.2, NM_001350938.2); c.502-588A>G (NM_001350935.2); short protein forms N132S, N231S.
Identifiers: ClinVar variation 3610904 (VCV003610904.2).
Genomic context (GRCh38, chr12:122,482,675, plus strand): 5'-TTAACATGAGAAAAATTTACCATTGGGCAATCTTTCATTTGGTGTTCTTCAGAACCACAA[T>C]TGAAACAGTGAGGCTTTGGCCTATTTGGTCAAAAGACAAAGATTTTTATAATGTCAATAA-3'
Protein context (NP_060082.2, residues 221-241): KAKRPKPHCF[Asn231Ser]CGSEEHQMKD

ClinVar aggregate classification (germline): Uncertain significance (1 of 4 stars; one submission).

gnomAD v4.1: 7 of 1,608,026 alleles (0.00044%); highest among the groups gnomAD compares: African/African-American, 0.0013%; no homozygotes.

Submission:

Labcorp Genetics (formerly Invitae), Labcorp
Classification: Uncertain significance. Last evaluated: 2025-01-20. Review status: criteria provided, single submitter. Criteria: Invitae Variant Classification Sherloc (09022015). Collection method: clinical testing. Allele origin: germline.
Comment: This sequence change replaces asparagine, which is neutral and polar, with serine, which is neutral and polar, at codon 231 of the ZCCHC8 protein (p.Asn231Ser). This variant is present in population databases (no rsID available, gnomAD 0.0009%). This variant has not been reported in the literature in individuals affected with ZCCHC8-related conditions. Invitae Evidence Modeling of protein sequence and biophysical properties (such as structural, functional, and spatial information, amino acid conservation, physicochemical variation, residue mobility, and thermodynamic stability) indicates that this missense variant is expected to disrupt ZCCHC8 protein function with a positive predictive value of 80%. In summary, the available evidence is currently insufficient to determine the role of this variant in disease. Therefore, it has been classified as a Variant of Uncertain Significance.